The following is an entry in ClinVar:

ClinVar aggregate classification (germline): Uncertain significance (1 of 4 stars; one submission).

Conditions:
Gastrointestinal stromal tumor. Also called: Gastrointestinal stroma tumor; Gastrointestinal stromal tumor, somatic. Identifiers: Orphanet 44890, MedGen C0238198, MeSH D046152, MONDO:0011719, OMIM 606764, HP:0100723.

Submission:

Labcorp Genetics (formerly Invitae), Labcorp
Classification: Uncertain significance for Gastrointestinal stromal tumor. Last evaluated: 2022-05-18. Review status: criteria provided, single submitter. Criteria: Invitae Variant Classification Sherloc (09022015). Collection method: clinical testing. Allele origin: germline.
Comment: This sequence change replaces aspartic acid, which is acidic and polar, with histidine, which is basic and polar, at codon 768 of the KIT protein (p.Asp768His). This variant is not present in population databases (gnomAD no frequency). This variant has not been reported in the literature in individuals affected with KIT-related conditions. Algorithms developed to predict the effect of missense changes on protein structure and function (SIFT, PolyPhen-2, Align-GVGD) all suggest that this variant is likely to be disruptive. In summary, the available evidence is currently insufficient to determine the role of this variant in disease. Therefore, it has been classified as a Variant of Uncertain Significance.

NM_000222.3(KIT):c.2302G>C (p.Asp768His)

Gene: KIT (KIT proto-oncogene, receptor tyrosine kinase; plus strand). Cytogenetic location: 4q12.
Variant type: single nucleotide variant.
Coding change: c.2302G>C on transcript NM_000222.3 (MANE Select); coding-DNA position 2302, G replaced by C.
Protein change: p.Asp768His; replaces aspartic acid 768 with histidine.
Molecular consequence: missense variant.
Genome position (GRCh38, 1-based): chr4:54,731,939, G>C. VCF-style: chr4-54731939-G-C. GRCh37 (hg19) VCF-style: chr4-55598105-G-C.
Other names: c.2290G>C, p.Asp764His (NM_001093772.2, NM_001385292.1); c.2305G>C, p.Asp769His (NM_001385284.1); c.2299G>C, p.Asp767His (NM_001385285.1); c.2287G>C, p.Asp763His (NM_001385286.1); c.2293G>C, p.Asp765His (NM_001385288.1); c.2302G>C, p.Asp768His (NM_001385290.1); short protein forms D765H, D769H, D764H, D767H, D768H, D763H.
Identifiers: ClinVar variation 1995983 (VCV001995983.4), dbSNP rs2109795597, ClinGen allele CA356910970.